The following is an entry in ClinVar:

ClinVar aggregate classification (germline): Likely benign. Review status: criteria provided, multiple submitters, no conflicts (2 of 4 stars). 2 submissions from 2 submitters: Likely benign (2). Last evaluated 2026-05-11.

Conditions:
Neurofibromatosis, type 1 (NF1). Also called: VON RECKLINGHAUSEN DISEASE; NEUROFIBROMATOSIS, TYPE I, SOMATIC; Neurofibromatosis, type I; Peripheral type neurofibromatosis. Identifiers: Orphanet 636, MedGen C0027831, MONDO:0018975, OMIM 162200. Disease mechanism: loss of function.

Allele frequency attached by ClinVar (database versions not stated): gnomAD exomes 0.00001.
gnomAD v4.1: 9 of 1,539,068 alleles (0.00058%); highest among the groups gnomAD compares: Non-Finnish European, 0.00079%; no homozygotes.

Submissions (2):

Myriad Genetics, Inc.
Classification: Likely benign for Neurofibromatosis, type 1. Last evaluated: 2026-05-11. Review status: criteria provided, single submitter. Criteria: Myriad Autosomal Dominant, Autosomal Recessive and X-Linked Classification Criteria (2023). Collection method: clinical testing. Allele origin: unknown.
Comment: This variant is considered likely benign. This variant is intronic and is not expected to impact mRNA splicing.

Labcorp Genetics (formerly Invitae), Labcorp
Classification: Likely benign for Neurofibromatosis, type 1. Last evaluated: 2026-01-09. Review status: criteria provided, single submitter. Criteria: Invitae Variant Classification Sherloc (09022015). Collection method: clinical testing. Allele origin: germline.

NM_001042492.3(NF1):c.60+7G>C

Genes: MIR4733HG (MIR4733 host gene; minus strand), NF1 (neurofibromin 1; plus strand), LOC111811965 (NF1 (neurofibromin 1) promoter region; plus strand). Cytogenetic location: 17q11.2.
Variant type: single nucleotide variant.
Coding change: c.60+7G>C on transcript NM_001042492.3 (MANE Select); 7 bases into the intron after coding-DNA position 60, G replaced by C.
Molecular consequence: intron variant. On other transcripts: non-coding transcript variant (1).
Genome position (GRCh38, 1-based): chr17:31,095,376, G>C. VCF-style: chr17-31095376-G-C. GRCh37 (hg19) VCF-style: chr17-29422394-G-C.
Other names: c.60+7G>C (NM_000267.4, NM_001128147.3).
Identifiers: ClinVar variation 412974 (VCV000412974.12), dbSNP rs1060503895, ClinGen allele CA16615403.